The following is an entry in ClinVar:

NM_001394639.1(MROH2A):c.780T>C (p.Tyr260=)

Gene: MROH2A (maestro heat like repeat family member 2A; plus strand). Cytogenetic location: 2q37.1.
Variant type: single nucleotide variant.
Coding change: c.780T>C on transcript NM_001394639.1 (MANE Select); coding-DNA position 780, T replaced by C.
Protein change: p.Tyr260=; no amino-acid change (tyrosine 260 retained).
Molecular consequence: synonymous variant.
Genome position (GRCh38, 1-based): chr2:233,793,782, T>C. VCF-style: chr2-233793782-T-C. GRCh37 (hg19) VCF-style: chr2-234702428-T-C.
Other names: c.780T>C, p.Tyr260= (NM_001367507.1).
Identifiers: ClinVar variation 2652023 (VCV002652023.24), dbSNP rs537532834, ClinGen allele CA2180277.

ClinVar aggregate classification (germline): Likely benign (1 of 4 stars; one submission).

Allele frequency attached by ClinVar (database versions not stated): ExAC 0.00022; 1000 Genomes Project 0.00060; TOPMed 0.00068; gnomAD 0.00076; 1000 Genomes Project 30x 0.00094; gnomAD exomes 0.00107.
gnomAD v4.1: 1,524 of 1,485,982 alleles (0.1%); highest among the groups gnomAD compares: Non-Finnish European, 0.13%; 1 homozygote.

Submission:

CeGaT Center for Human Genetics Tuebingen
Classification: Likely benign. Last evaluated: 2022-06-01. Review status: criteria provided, single submitter. Criteria: CeGaT Center For Human Genetics Tuebingen Variant Classification Criteria Version 2. Collection method: clinical testing. Allele origin: germline. Affected: yes. Observed: 1 variant allele.
Comment: MROH2A: BP4, BP7